The following is an entry in ClinVar:

ClinVar aggregate classification (germline): Benign. Review status: criteria provided, multiple submitters, no conflicts (2 of 4 stars). 2 submissions from 2 submitters: Benign (2). Last evaluated 2018-01-13.

Conditions:
Erythrocytosis, familial, 4 (ECYT4). Identifiers: Orphanet 247511, MedGen C2673187, MONDO:0012729, OMIM 611783.

Allele frequency attached by ClinVar (database versions not stated): 1000 Genomes Project 0.00319; gnomAD 0.00857 and 0.00872; gnomAD exomes 0.00938; 1000 Genomes Project 30x 0.00344; TOPMed 0.00801.
gnomAD v4.1: 2,909 of 323,882 alleles (0.9%); highest among the groups gnomAD compares: Non-Finnish European, 1.4%; 20 homozygotes.

Submissions (2):

Illumina Laboratory Services, Illumina
Classification: Benign for Erythrocytosis, familial, 4. Last evaluated: 2018-01-13. Review status: criteria provided, single submitter. Criteria: ICSL Variant Classification Criteria 13 December 2019. Collection method: clinical testing. Allele origin: germline.
Comment: This variant was observed in the ICSL laboratory as part of a predisposition screen in an ostensibly healthy population. It had not been previously curated by ICSL or reported in the Human Gene Mutation Database (HGMD: prior to June 1st, 2018), and was therefore a candidate for classification through an automated scoring system. Utilizing variant allele frequency, disease prevalence and penetrance estimates, and inheritance mode, an automated score was calculated to assess if this variant is too frequent to cause the disease. Based on the score and internal cut-off values, a variant classified as benign is not then subjected to further curation. The score for this variant resulted in a classification of benign for this disease.

Breakthrough Genomics
Classification: Benign. Review status: criteria provided, single submitter. Criteria: ACMG Guidelines, 2015. Collection method: not provided. Allele origin: germline. Inheritance: Autosomal dominant inheritance. Affected: yes.

NM_001430.5(EPAS1):c.*349T>C

Gene: EPAS1 (endothelial PAS domain protein 1; plus strand). Cytogenetic location: 2p21.
Variant type: single nucleotide variant.
Coding change: c.*349T>C on transcript NM_001430.5 (MANE Select); 349 bases downstream of the stop codon, T replaced by C.
Molecular consequence: 3 prime UTR variant.
Genome position (GRCh38, 1-based): chr2:46,385,009, T>C. VCF-style: chr2-46385009-T-C. GRCh37 (hg19) VCF-style: chr2-46612148-T-C.
Identifiers: ClinVar variation 336288 (VCV000336288.6), dbSNP rs72797432, ClinGen allele CA10613969.